The following is an entry in ClinVar:

ClinVar aggregate classification (germline): Uncertain significance (1 of 4 stars; one submission).

Allele frequency attached by ClinVar (database versions not stated): gnomAD exomes below 0.00001.

Submission:

GeneDx
Classification: Uncertain significance. Last evaluated: 2021-06-02. Review status: criteria provided, single submitter. Criteria: GeneDx Variant Classification Process June 2021. Collection method: clinical testing. Allele origin: germline. Affected: yes.
Comment: Not observed at significant frequency in large population cohorts (Lek et al., 2016); In silico analysis supports that this missense variant does not alter protein structure/function; Has not been previously published as pathogenic or benign to our knowledge; This variant is associated with the following publications: (PMID: 27535533)

NM_014271.4(IL1RAPL1):c.1444G>A (p.Val482Ile)

Gene: IL1RAPL1 (interleukin 1 receptor accessory protein like 1; plus strand). Cytogenetic location: Xp21.2.
Variant type: single nucleotide variant.
Coding change: c.1444G>A on transcript NM_014271.4 (MANE Select); coding-DNA position 1444, G replaced by A.
Protein change: p.Val482Ile; replaces valine 482 with isoleucine.
Molecular consequence: missense variant.
Genome position (GRCh38, 1-based): chrX:29,955,173, G>A. VCF-style: chrX-29955173-G-A. GRCh37 (hg19) VCF-style: chrX-29973290-G-A.
Other names: short protein forms V482I.
Identifiers: ClinVar variation 1327240 (VCV001327240.2), dbSNP rs2147258962, ClinGen allele CA412634253.